The following is an entry in ClinVar:

ClinVar aggregate classification (germline): Uncertain significance. Review status: criteria provided, multiple submitters, no conflicts (2 of 4 stars). 2 submissions from 2 submitters: Uncertain significance (2). Last evaluated 2023-04-20.

Allele frequency attached by ClinVar (database versions not stated): ExAC 0.00002; gnomAD exomes 0.00002; TOPMed 0.00005; gnomAD 0.00007; ESP Exome Variant Server 0.00008.
gnomAD v4.1: 34 of 1,613,646 alleles (0.0021%); highest among the groups gnomAD compares: African/African-American, 0.016%; no homozygotes.

Submissions (2):

Blueprint Genetics
Classification: Uncertain significance. Last evaluated: 2023-04-20. Review status: criteria provided, single submitter. Criteria: ACMG Guidelines, 2015. Collection method: clinical testing. Allele origin: germline.

Labcorp Genetics (formerly Invitae), Labcorp
Classification: Uncertain significance. Last evaluated: 2022-08-23. Review status: criteria provided, single submitter. Criteria: Invitae Variant Classification Sherloc (09022015). Collection method: clinical testing. Allele origin: germline.
Comment: In summary, the available evidence is currently insufficient to determine the role of this variant in disease. Therefore, it has been classified as a Variant of Uncertain Significance. Experimental studies and prediction algorithms are not available or were not evaluated, and the functional significance of this variant is currently unknown. ClinVar contains an entry for this variant (Variation ID: 1014009). This variant has not been reported in the literature in individuals affected with REEP6-related conditions. This variant is present in population databases (rs148789777, gnomAD 0.02%). This sequence change replaces alanine, which is neutral and non-polar, with threonine, which is neutral and polar, at codon 67 of the REEP6 protein (p.Ala67Thr).

NM_138393.4(REEP6):c.199G>A (p.Ala67Thr)

Gene: REEP6 (receptor accessory protein 6; plus strand). Cytogenetic location: 19p13.3.
Variant type: single nucleotide variant.
Coding change: c.199G>A on transcript NM_138393.4 (MANE Select); coding-DNA position 199, G replaced by A.
Protein change: p.Ala67Thr; replaces alanine 67 with threonine.
Molecular consequence: missense variant.
Genome position (GRCh38, 1-based): chr19:1,495,377, G>A. VCF-style: chr19-1495377-G-A. GRCh37 (hg19) VCF-style: chr19-1495376-G-A.
Other names: c.199G>A, p.Ala67Thr (NM_001329556.3); short protein forms A67T.
Identifiers: ClinVar variation 1014009 (VCV001014009.9), dbSNP rs148789777, ClinGen allele CA9047425.